The following is an entry in ClinVar:

ClinVar aggregate classification (germline): Uncertain significance. Review status: criteria provided, multiple submitters, no conflicts (2 of 4 stars). 2 submissions from 2 submitters: Uncertain significance (2). Last evaluated 2024-10-29.

Allele frequency attached by ClinVar (database versions not stated): gnomAD exomes 0.00001; gnomAD 0.00002.
gnomAD v4.1: 16 of 1,614,026 alleles (0.00099%); highest among the groups gnomAD compares: African/African-American, 0.004%; no homozygotes.

Submissions (2):

Labcorp Genetics (formerly Invitae), Labcorp
Classification: Uncertain significance. Last evaluated: 2024-10-29. Review status: criteria provided, single submitter. Criteria: Invitae Variant Classification Sherloc (09022015). Collection method: clinical testing. Allele origin: germline.
Comment: This sequence change replaces alanine, which is neutral and non-polar, with threonine, which is neutral and polar, at codon 4775 of the USH2A protein (p.Ala4775Thr). This variant is present in population databases (rs376815897, gnomAD 0.003%). This variant has not been reported in the literature in individuals affected with USH2A-related conditions. ClinVar contains an entry for this variant (Variation ID: 2153592). Invitae Evidence Modeling of protein sequence and biophysical properties (such as structural, functional, and spatial information, amino acid conservation, physicochemical variation, residue mobility, and thermodynamic stability) indicates that this missense variant is not expected to disrupt USH2A protein function with a negative predictive value of 95%. In summary, the available evidence is currently insufficient to determine the role of this variant in disease. Therefore, it has been classified as a Variant of Uncertain Significance.

Blueprint Genetics
Classification: Uncertain significance. Last evaluated: 2024-06-10. Review status: criteria provided, single submitter. Criteria: ACMG Guidelines, 2015. Collection method: clinical testing. Allele origin: germline.

NM_206933.4(USH2A):c.14323G>A (p.Ala4775Thr)

Gene: USH2A (usherin; minus strand). Cytogenetic location: 1q41.
Variant type: single nucleotide variant.
Coding change: c.14323G>A on transcript NM_206933.4 (MANE Select); coding-DNA position 14323, G replaced by A.
Protein change: p.Ala4775Thr; replaces alanine 4775 with threonine.
Molecular consequence: missense variant.
Genome position (GRCh38, 1-based): chr1:215,650,612, C>T on the plus strand (G>A on the coding strand, the complement: USH2A is on the minus strand). VCF-style: chr1-215650612-C-T. GRCh37 (hg19) VCF-style: chr1-215823954-C-T.
Other names: short protein forms A4775T.
Identifiers: ClinVar variation 2153592 (VCV002153592.3), dbSNP rs376815897, ClinGen allele CA1393062.